The following is an entry in ClinVar:

NM_024408.4(NOTCH2):c.1681+6A>T

Gene: NOTCH2 (notch receptor 2; minus strand). Cytogenetic location: 1p12.
Variant type: single nucleotide variant.
Coding change: c.1681+6A>T on transcript NM_024408.4 (MANE Select); 6 bases into the intron after coding-DNA position 1681, A replaced by T.
Molecular consequence: intron variant.
Genome position (GRCh38, 1-based): chr1:119,965,447, T>A on the plus strand (A>T on the coding strand, the complement: NOTCH2 is on the minus strand). VCF-style: chr1-119965447-T-A. GRCh37 (hg19) VCF-style: chr1-120508070-T-A.
Other names: c.1681+6A>T (NM_001200001.2).
Identifiers: ClinVar variation 3656432 (VCV003656432.2).

ClinVar aggregate classification (germline): Uncertain significance (1 of 4 stars; one submission).

Conditions:
Hajdu-Cheney syndrome (HJCYS). Also called: ACROOSTEOLYSIS WITH OSTEOPOROSIS AND CHANGES IN SKULL AND MANDIBLE; SERPENTINE FIBULA-POLYCYSTIC KIDNEY SYNDROME; Acroosteolysis dominant type. Identifiers: Orphanet 955, MedGen C0917715, MONDO:0007057, OMIM 102500.

gnomAD v4.1: 1 of 1,606,908 alleles (0.000062%); highest among the groups gnomAD compares: African/African-American, 0.0013%; no homozygotes.

Submission:

Labcorp Genetics (formerly Invitae), Labcorp
Classification: Uncertain significance for Hajdu-Cheney syndrome. Last evaluated: 2024-09-27. Review status: criteria provided, single submitter. Criteria: Invitae Variant Classification Sherloc (09022015). Collection method: clinical testing. Allele origin: germline.
Comment: This sequence change falls in intron 10 of the NOTCH2 gene. It does not directly change the encoded amino acid sequence of the NOTCH2 protein. It affects a nucleotide within the consensus splice site. This variant is not present in population databases (gnomAD no frequency). This variant has not been reported in the literature in individuals affected with NOTCH2-related conditions. Variants that disrupt the consensus splice site are a relatively common cause of aberrant splicing (PMID: 17576681, 9536098). Algorithms developed to predict the effect of sequence changes on RNA splicing suggest that this variant is not likely to affect RNA splicing. In summary, the available evidence is currently insufficient to determine the role of this variant in disease. Therefore, it has been classified as a Variant of Uncertain Significance.

Literature cited by the submitters: PubMed 17576681; PubMed 9536098.